The following is an entry in ClinVar:

ClinVar aggregate classification (germline): Conflicting classifications of pathogenicity. Review status: criteria provided, conflicting classifications (1 of 4 stars). 4 submissions from 4 submitters: Pathogenic (1); Likely pathogenic (1); Uncertain significance (1). 1 of the submissions does not count toward it. Last evaluated 2024-05-26.

Conditions:
Retinitis pigmentosa 83 (RP83). Identifiers: MedGen C4748536, MONDO:0032577, OMIM 618173.
Retinal disorder. Also called: Retinal disorders; Retinopathy; Retinopathies; Retinal Diseases. Identifiers: MedGen C0035309, MONDO:0005283, HP:0000488.

Submissions (4):

Labcorp Genetics (formerly Invitae), Labcorp
Classification: Pathogenic. Last evaluated: 2024-05-26. Review status: criteria provided, single submitter. Criteria: Invitae Variant Classification Sherloc (09022015). Collection method: clinical testing. Allele origin: germline.
Comment: This sequence change replaces tyrosine, which is neutral and polar, with cysteine, which is neutral and slightly polar, at codon 90 of the ARL3 protein (p.Tyr90Cys). This variant is not present in population databases (gnomAD no frequency). This missense change has been observed in individual(s) with autosomal dominant retinitis pigmentosa (PMID: 26964041, 30932721). In at least one individual the variant was observed to be de novo. It has also been observed to segregate with disease in related individuals. ClinVar contains an entry for this variant (Variation ID: 587684). An algorithm developed to predict the effect of missense changes on protein structure and function (PolyPhen-2) suggests that this variant is likely to be disruptive. For these reasons, this variant has been classified as Pathogenic.

AURAGEN, Plan France Médecine Génomique
Classification: Likely pathogenic for Retinal disorder. Last evaluated: 2022-06-21. Review status: criteria provided, single submitter. Criteria: PFMG2025 (Lancet Reg Health Eur. 2025). Collection method: clinical testing. Allele origin: germline. Affected: yes.

SIB Swiss Institute of Bioinformatics
Classification: Uncertain significance for Retinitis pigmentosa 83. Last evaluated: 2019-01-10. Review status: criteria provided, single submitter. Criteria: ACMG Guidelines, 2015. Collection method: curation. Allele origin: unknown.
Comment: This variant is interpreted as a Uncertain significance for Retinitis pigmentosa 83, autosomal dominant The following ACMG Tag(s) were applied: PM2 => Absent from controls (or at extremely low frequency if recessive) in Exome Sequencing Project, 1000 Genomes Project, or Exome Aggregation Consortium. PM6 =>Assumed de novo, but without confirmation of paternity and maternity. PP3 => Multiple lines of computational evidence support a deleterious effect on the gene or gene product.

ClinGen:CA377922038

OMIM
Classification: Pathogenic for RETINITIS PIGMENTOSA 83. Last evaluated: 2019-04-29. Review status: no assertion criteria provided. Collection method: literature only. Allele origin: germline. Not counted in ClinVar's aggregate classification.

Literature cited by the submitters: PubMed 26964041 (cited by 3 submitters); PubMed 30932721 (cited by Labcorp Genetics (formerly Invitae), Labcorp and OMIM).

NM_004311.4(ARL3):c.269A>G (p.Tyr90Cys)

Gene: ARL3 (ARF like GTPase 3; minus strand). Cytogenetic location: 10q24.32.
Variant type: single nucleotide variant.
Coding change: c.269A>G on transcript NM_004311.4 (MANE Select); coding-DNA position 269, A replaced by G.
Protein change: p.Tyr90Cys; replaces tyrosine 90 with cysteine.
Molecular consequence: missense variant.
Genome position (GRCh38, 1-based): chr10:102,689,939, T>C on the plus strand (A>G on the coding strand, the complement: ARL3 is on the minus strand). VCF-style: chr10-102689939-T-C. GRCh37 (hg19) VCF-style: chr10-104449696-T-C.
Other names: short protein forms Y90C.
Identifiers: ClinVar variation 587684 (VCV000587684.10), dbSNP rs1564730440, ClinGen allele CA377922038.